The following is an entry in ClinVar:

ClinVar aggregate classification (germline): Benign. Review status: reviewed by expert panel (3 of 4 stars). 3 submissions from 3 submitters: Benign (1). 2 of the submissions do not count toward it. Last evaluated 2015-01-12.

Conditions:
Breast-ovarian cancer, familial, susceptibility to, 2 (BROVCA2). Also called: BRCA2 Hereditary Breast and Ovarian Cancer. Identifiers: Orphanet 145, MedGen C2675520, MONDO:0012933, OMIM 612555. Disease mechanism: loss of function.

Allele frequency attached by ClinVar (database versions not stated): gnomAD 0.03067; TOPMed 0.04229; 1000 Genomes Project 0.07388; 1000 Genomes Project 30x 0.07402.
gnomAD v4.1: 6,242 of 152,036 alleles (4.1%); highest among the groups gnomAD compares: South Asian, 11%; 220 homozygotes.

Submissions (3):

Evidence-based Network for the Interpretation of Germline Mutant Alleles (ENIGMA)
Classification: Benign for Breast-ovarian cancer, familial 2. Last evaluated: 2015-01-12. Review status: reviewed by expert panel. Criteria: ENIGMA BRCA1/2 Classification Criteria (2015). Collection method: curation. Allele origin: germline.
Comment: Class 1 not pathogenic based on frequency >1% in an outbred sampleset. Frequency 0.1049 (Asian), 0.01423 (African), 0.03694 (European), derived from 1000 genomes (2012-04-30).

GeneDx
Classification: Likely benign. Last evaluated: 2018-06-15. Review status: criteria provided, single submitter. Criteria: GeneDx Variant Classification (06012015). Collection method: clinical testing. Allele origin: germline. Affected: yes. Not counted in ClinVar's aggregate classification.
Comment: This variant is considered likely benign or benign based on one or more of the following criteria: it is a conservative change, it occurs at a poorly conserved position in the protein, it is predicted to be benign by multiple in silico algorithms, and/or has population frequency not consistent with disease.

Breakthrough Genomics
Classification: Benign. Review status: criteria provided, single submitter. Criteria: ACMG Guidelines, 2015. Collection method: not provided. Allele origin: germline. Inheritance: Autosomal recessive inheritance. Affected: yes. Not counted in ClinVar's aggregate classification.

NM_000059.4(BRCA2):c.7007+273G>A

Gene: BRCA2 (BRCA2 DNA repair associated; plus strand). Cytogenetic location: 13q13.1.
Variant type: single nucleotide variant.
Coding change: c.7007+273G>A on transcript NM_000059.4 (MANE Select); 273 bases into the intron after coding-DNA position 7007, G replaced by A.
Molecular consequence: intron variant.
Genome position (GRCh38, 1-based): chr13:32,347,169, G>A. VCF-style: chr13-32347169-G-A. GRCh37 (hg19) VCF-style: chr13-32921306-G-A.
Other names: IVS 13+273G>A.
Identifiers: ClinVar variation 209718 (VCV000209718.2), dbSNP rs11571681, ClinGen allele CA276686.
Genomic context (GRCh38, chr13:32,347,169, plus strand): 5'-ATTTTATTCTAATTTTATGGATGAAGTACTAAGGTTGAGAGGAATTAAGGAAATTGCTCC[G>A]AATCAGTTAACAAAAAGATTGCAGATATTAAAAATATCCTTTTATCTCTCCTCTCTAAAC-3'